The following is an entry in ClinVar:

NM_000500.9(CYP21A2):c.292+1G>A

Genes: CYP21A2 (cytochrome P450 family 21 subfamily A member 2; plus strand), LOC106780800 (CYP21A2 recombination region; plus strand). Cytogenetic location: 6p21.33.
Variant type: single nucleotide variant.
Coding change: c.292+1G>A on transcript NM_000500.9 (MANE Select); the canonical splice donor site of the intron after coding-DNA position 292, G replaced by A.
Molecular consequence: splice donor variant. On other transcripts: intron variant (2).
Genome position (GRCh38, 1-based): chr6:32,038,812, G>A. VCF-style: chr6-32038812-G-A. GRCh37 (hg19) VCF-style: chr6-32006589-G-A.
Other names: c.-133+1G>A (NM_001368143.2); c.-133+188G>A (NM_001368144.2); c.202+188G>A (NM_001128590.4).
Identifiers: ClinVar variation 1687149 (VCV001687149.3), dbSNP rs779144910, ClinGen allele CA3732308.

ClinVar aggregate classification (germline): Pathogenic/Likely pathogenic. Review status: criteria provided, multiple submitters, no conflicts (2 of 4 stars). 2 submissions from 2 submitters: Pathogenic (1); Likely pathogenic (1). Last evaluated 2022-05-22.

Conditions:
21-Hydroxylase-Deficient Congenital Adrenal Hyperplasia. Also called: ADRENAL HYPERPLASIA III; ADRENAL HYPERPLASIA, CONGENITAL, DUE TO 21-HYDROXYLASE DEFICIENCY. Identifiers: MedGen C2936858, OMIM 201910.

Allele frequency attached by ClinVar (database versions not stated): TOPMed below 0.00001; ExAC 0.00002.

Submissions (2):

3billion
Classification: Likely pathogenic for 21-Hydroxylase-Deficient Congenital Adrenal Hyperplasia. Last evaluated: 2022-05-22. Review status: criteria provided, single submitter. Criteria: ACMG Guidelines, 2015. Collection method: clinical testing. Allele origin: germline. Affected: yes. Observed: 1 heterozygote.
Comment: Canonical splice site: predicted to alter splicing and result in a loss or disruption of normal protein function. Multiple pathogenic loss-of-function variants are reported downstream of the variant. The variant is observed at an extremely low frequency in the gnomAD v2.1.1 dataset (total allele frequency: <0.001%). . Therefore, this variant is classified as likely pathogenic according to the recommendation of ACMG/AMP guideline.

Juno Genomics, Hangzhou Juno Genomics, Inc
Classification: Pathogenic for 21-Hydroxylase-Deficient Congenital Adrenal Hyperplasia. Review status: criteria provided, single submitter. Criteria: ACMG Guidelines, 2015. Collection method: clinical testing. Allele origin: germline. Affected: yes.
Comment: Absent from controls (or at extremely low frequency if recessive) in Genome Aggregation Database, Exome Sequencing Project, 1000 Genomes Project, or Exome Aggregation Consortium.;Null variant in a gene where loss of function (LOF) is a known mechanism of disease.;For recessive disorders, detected in trans with a pathogenic variant.;Patient's phenotype or family history is highly specific for a disease with a single genetic etiology.